The following is an entry in ClinVar:

NM_001160148.2(DDHD1):c.1895G>A (p.Arg632His)

Gene: DDHD1 (DDHD domain containing 1; minus strand). Cytogenetic location: 14q22.1.
Variant type: single nucleotide variant.
Coding change: c.1895G>A on transcript NM_001160148.2 (MANE Select); coding-DNA position 1895, G replaced by A.
Protein change: p.Arg632His; replaces arginine 632 with histidine.
Molecular consequence: missense variant.
Genome position (GRCh38, 1-based): chr14:53,058,574, C>T on the plus strand (G>A on the coding strand, the complement: DDHD1 is on the minus strand). VCF-style: chr14-53058574-C-T. GRCh37 (hg19) VCF-style: chr14-53525292-C-T.
Other names: c.1916G>A, p.Arg639His (NM_001160147.2); c.1895G>A, p.Arg632His (NM_030637.3); c.1895G>A (NM_001160148.1); short protein forms R632H, R639H.
Identifiers: ClinVar variation 580952 (VCV000580952.12), dbSNP rs749263468, ClinGen allele CA7191095.

ClinVar aggregate classification (germline): Uncertain significance. Review status: criteria provided, multiple submitters, no conflicts (2 of 4 stars). 3 submissions from 3 submitters: Uncertain significance (3). Last evaluated 2025-10-14.

Conditions:
Hereditary spastic paraplegia 28. Also called: Spastic paraplegia 28, autosomal recessive. Identifiers: Orphanet 101008, MedGen C1836295, MONDO:0012256, OMIM 609340.
Inborn genetic diseases. Identifiers: MedGen C0950123, MeSH D030342.

Allele frequency attached by ClinVar (database versions not stated): ExAC 0.00001; gnomAD 0.00002 and 0.00003; gnomAD exomes 0.00003 and 0.00001; TOPMed 0.00002.
gnomAD v4.1: 41 of 1,613,266 alleles (0.0025%); highest among the groups gnomAD compares: Non-Finnish European, 0.0033%; no homozygotes.

Submissions (3):

Ambry Genetics
Classification: Uncertain significance for Inborn genetic diseases. Last evaluated: 2025-10-14. Review status: criteria provided, single submitter. Criteria: Ambry Variant Classification Scheme 2023. Collection method: clinical testing. Allele origin: germline.

Labcorp Genetics (formerly Invitae), Labcorp
Classification: Uncertain significance for Hereditary spastic paraplegia 28. Last evaluated: 2022-07-11. Review status: criteria provided, single submitter. Criteria: Invitae Variant Classification Sherloc (09022015). Collection method: clinical testing. Allele origin: germline.
Comment: This sequence change replaces arginine, which is basic and polar, with histidine, which is basic and polar, at codon 639 of the DDHD1 protein (p.Arg639His). This variant is present in population databases (rs749263468, gnomAD 0.003%). This variant has not been reported in the literature in individuals affected with DDHD1-related conditions. ClinVar contains an entry for this variant (Variation ID: 580952). Algorithms developed to predict the effect of missense changes on protein structure and function are either unavailable or do not agree on the potential impact of this missense change (SIFT: "Deleterious"; PolyPhen-2: "Probably Damaging"; Align-GVGD: "Class C0"). In summary, the available evidence is currently insufficient to determine the role of this variant in disease. Therefore, it has been classified as a Variant of Uncertain Significance.

GeneDx
Classification: Uncertain significance. Last evaluated: 2021-11-15. Review status: criteria provided, single submitter. Criteria: GeneDx Variant Classification Process June 2021. Collection method: clinical testing. Allele origin: germline. Affected: yes.
Comment: Not observed at a significant frequency in large population cohorts (Lek et al., 2016); In silico analysis supports that this missense variant has a deleterious effect on protein structure/function; Has not been previously published as pathogenic or benign to our knowledge; This variant is associated with the following publications: (PMID: 24989667, 23176821)